The following is an entry in ClinVar:

NM_006150.5(PRICKLE3):c.1459C>T (p.Arg487Cys)

Gene: PRICKLE3 (prickle planar cell polarity protein 3; minus strand). Cytogenetic location: Xp11.23.
Variant type: single nucleotide variant.
Coding change: c.1459C>T on transcript NM_006150.5 (MANE Select); coding-DNA position 1459, C replaced by T.
Protein change: p.Arg487Cys; replaces arginine 487 with cysteine.
Molecular consequence: missense variant.
Genome position (GRCh38, 1-based): chrX:49,176,062, G>A on the plus strand (C>T on the coding strand, the complement: PRICKLE3 is on the minus strand). VCF-style: chrX-49176062-G-A. GRCh37 (hg19) VCF-style: chrX-49032411-G-A.
Other names: c.1255C>T, p.Arg419Cys (NM_001307979.2); short protein forms R419C, R487C.
Identifiers: ClinVar variation 5027271 (VCV005027271.1).

ClinVar aggregate classification (germline): Uncertain significance (1 of 4 stars; one submission).

gnomAD v4.1: 1 of 1,207,181 alleles (0.000083%); highest among the groups gnomAD compares: South Asian, 0.0018%; no homozygotes.

Submission:

Ambry Genetics
Classification: Uncertain significance. Last evaluated: 2026-06-23. Review status: criteria provided, single submitter. Criteria: Ambry Variant Classification Scheme 2023. Collection method: clinical testing. Allele origin: germline.
Comment: The c.1459C>T (p.R487C) alteration is located in exon 9 (coding exon 9) of the PRICKLE3 gene. This alteration results from a C to T substitution at nucleotide position 1459, causing the arginine (R) at amino acid position 487 to be replaced by a cysteine (C). Based on data from gnomAD, the T allele has an overall frequency of 0.001% (1/161311) total alleles studied. The highest observed frequency was 0.006% (1/18273) of South Asian alleles. Based on insufficient or conflicting evidence, the clinical significance of this alteration remains unclear.